The following is an entry in ClinVar:

ClinVar aggregate classification (germline): Likely benign. Review status: criteria provided, multiple submitters, no conflicts (2 of 4 stars). 3 submissions from 3 submitters: Likely benign (2). 1 of the submissions does not count toward it. Last evaluated 2026-01-31.

Conditions:
VPS13B-related disorder. Also called: VPS13B-related condition.
Cohen syndrome (COH1). Also called: PEPPER SYNDROME; Cutis verticis gyrata, retinitis pigmentosa, and sensorineural deafness. Identifiers: Orphanet 193, MedGen C0265223, MONDO:0008999, OMIM 216550.

Allele frequency attached by ClinVar (database versions not stated): ExAC 0.00001; gnomAD 0.00002; gnomAD exomes 0.00002 and 0.00003; TOPMed 0.00003.
gnomAD v4.1: 44 of 1,613,128 alleles (0.0027%); highest among the groups gnomAD compares: East Asian, 0.0089%; no homozygotes.

Submissions (3):

Labcorp Genetics (formerly Invitae), Labcorp
Classification: Likely benign for Cohen syndrome. Last evaluated: 2026-01-31. Review status: criteria provided, single submitter. Criteria: Invitae Variant Classification Sherloc (09022015). Collection method: clinical testing. Allele origin: germline.

Blueprint Genetics
Classification: Likely benign. Last evaluated: 2024-06-28. Review status: criteria provided, single submitter. Criteria: ACMG Guidelines, 2015. Collection method: clinical testing. Allele origin: germline.

PreventionGenetics, part of Exact Sciences
Classification: Likely benign for VPS13B-related condition. Last evaluated: 2022-07-27. Review status: no assertion criteria provided. Collection method: clinical testing. Allele origin: germline. Not counted in ClinVar's aggregate classification.
Comment: This variant is classified as likely benign based on ACMG/AMP sequence variant interpretation guidelines (Richards et al. 2015 PMID: 25741868, with internal and published modifications).

NM_152564.5(VPS13B):c.1303-10C>T

Gene: VPS13B (vacuolar protein sorting 13 homolog B; plus strand). Cytogenetic location: 8q22.2.
Variant type: single nucleotide variant.
Coding change: c.1303-10C>T on transcript NM_152564.5 (MANE Select); 10 bases into the intron before coding-DNA position 1303, C replaced by T.
Molecular consequence: intron variant.
Genome position (GRCh38, 1-based): chr8:99,135,005, C>T. VCF-style: chr8-99135005-C-T. GRCh37 (hg19) VCF-style: chr8-100147233-C-T.
Other names: c.1303-10C>T (NM_017890.5, NM_015243.3, NM_152564.4).
Identifiers: ClinVar variation 1124595 (VCV001124595.11), dbSNP rs748144840, ClinGen allele CA4822609.